The following is an entry in ClinVar:

ClinVar aggregate classification (germline): Uncertain significance (1 of 4 stars; one submission).

Submission:

Mayo Clinic Laboratories, Mayo Clinic
Classification: Uncertain significance. Last evaluated: 2024-09-13. Review status: criteria provided, single submitter. Criteria: ACMG Guidelines, 2015. Collection method: clinical testing. Allele origin: germline. Observed: 1 variant allele.
Comment: PM2

NM_153704.6(TMEM67):c.2665C>T (p.His889Tyr)

Gene: TMEM67 (transmembrane protein 67; plus strand). Cytogenetic location: 8q22.1.
Variant type: single nucleotide variant.
Coding change: c.2665C>T on transcript NM_153704.6 (MANE Select); coding-DNA position 2665, C replaced by T.
Protein change: p.His889Tyr; replaces histidine 889 with tyrosine.
Molecular consequence: missense variant. On other transcripts: non-coding transcript variant (1).
Genome position (GRCh38, 1-based): chr8:93,809,788, C>T. VCF-style: chr8-93809788-C-T. GRCh37 (hg19) VCF-style: chr8-94822016-C-T.
Other names: p.His889Tyr; c.2422C>T, p.His808Tyr (NM_001142301.1); short protein forms H808Y, H889Y.
Identifiers: ClinVar variation 3379828 (VCV003379828.1).